The following is an entry in ClinVar:

NM_001010854.2(TTC7B):c.378C>T (p.Asp126=)

Gene: TTC7B (tetratricopeptide repeat domain 7B; minus strand). Cytogenetic location: 14q32.11.
Variant type: single nucleotide variant.
Coding change: c.378C>T on transcript NM_001010854.2 (MANE Select); coding-DNA position 378, C replaced by T.
Protein change: p.Asp126=; no amino-acid change (aspartic acid 126 retained).
Molecular consequence: synonymous variant.
Genome position (GRCh38, 1-based): chr14:90,780,805, G>A on the plus strand (C>T on the coding strand, the complement: TTC7B is on the minus strand). VCF-style: chr14-90780805-G-A. GRCh37 (hg19) VCF-style: chr14-91247149-G-A.
Other names: c.72C>T, p.Asp24= (NM_001320421.2); c.378C>T, p.Asp126= (NM_001401365.1).
Identifiers: ClinVar variation 2644451 (VCV002644451.24), dbSNP rs146519690, ClinGen allele CA7306630.

ClinVar aggregate classification (germline): Likely benign (1 of 4 stars; one submission).

Allele frequency attached by ClinVar (database versions not stated): 1000 Genomes Project 0.00040; 1000 Genomes Project 30x 0.00047; ESP Exome Variant Server 0.00154.
gnomAD v4.1: 3,186 of 1,614,268 alleles (0.2%); highest among the groups gnomAD compares: Non-Finnish European, 0.26%; 6 homozygotes.

Submission:

CeGaT Center for Human Genetics Tuebingen
Classification: Likely benign. Last evaluated: 2023-03-01. Review status: criteria provided, single submitter. Criteria: CeGaT Center For Human Genetics Tuebingen Variant Classification Criteria Version 2. Collection method: clinical testing. Allele origin: germline. Affected: yes. Observed: 1 variant allele.
Comment: TTC7B: BP4, BP7